The following is an entry in ClinVar:

NM_007294.4(BRCA1):c.1160C>G (p.Ser387Cys)

Gene: BRCA1 (BRCA1 DNA repair associated; minus strand). Cytogenetic location: 17q21.31.
Variant type: single nucleotide variant.
Coding change: c.1160C>G on transcript NM_007294.4 (MANE Select); coding-DNA position 1160, C replaced by G.
Protein change: p.Ser387Cys; replaces serine 387 with cysteine.
Molecular consequence: missense variant. On other transcripts: intron variant (137).
Genome position (GRCh38, 1-based): chr17:43,094,371, G>C on the plus strand (C>G on the coding strand, the complement: BRCA1 is on the minus strand). VCF-style: chr17-43094371-G-C. GRCh37 (hg19) VCF-style: chr17-41246388-G-C.
Other names: c.1016C>G, p.Ser339Cys (NM_001407848.1, NM_001407849.1, NM_001407943.1 and 20 more transcripts); c.1019C>G, p.Ser340Cys (NM_001407850.1, NM_001407851.1, NM_001407852.1 and 29 more transcripts); c.947C>G, p.Ser316Cys (NM_001407571.1, NM_001407853.1, NM_001407894.1 and 9 more transcripts); c.1160C>G, p.Ser387Cys (NM_001407581.1, NM_001407582.1, NM_001407854.1 and 30 more transcripts); c.1157C>G, p.Ser386Cys (NM_001407860.1, NM_001407587.1, NM_001407861.1 and 22 more transcripts); c.959C>G, p.Ser320Cys (NM_001407862.1); c.1037C>G, p.Ser346Cys (NM_001407863.1, NM_001407919.1, NM_001407648.1 and 19 more transcripts); c.956C>G, p.Ser319Cys (NM_001407874.1, NM_001407875.1); and 40 more; short protein forms S387C, S340C, S260C, S339C, S361C, S219C, S298C, S316C.
Identifiers: ClinVar variation 629962 (VCV000629962.10), dbSNP rs1567800665, ClinGen allele CA10599732.
Genomic context (GRCh38, chr17:43,094,371, plus strand): 5'-GCATTTGATTCAGACTCCCCATCATGTGAGTCATCAGAACCTAACAGTTCATCACTTCTG[G>C]AAAACCACTCATTAACTTTCTGAATGCTGCTATTTAGTGTTATCCAAGGAACATCTTCAG-3'
Protein context (NP_009225.1, residues 377-397): SSIQKVNEWF[Ser387Cys]RSDELLGSDD

ClinVar aggregate classification (germline): Conflicting classifications of pathogenicity. Review status: criteria provided, conflicting classifications (1 of 4 stars). 4 submissions from 4 submitters: Uncertain significance (3); Likely benign (1). Last evaluated 2025-04-14.

Conditions:
Hereditary cancer-predisposing syndrome. Also called: Neoplastic Syndromes, Hereditary; Tumor predisposition; Hereditary neoplastic syndrome; Hereditary Cancer Syndrome. Identifiers: Orphanet 140162, MedGen C0027672, MeSH D009386, MONDO:0015356.
Hereditary breast ovarian cancer syndrome. Also called: Hereditary breast and ovarian cancer syndrome; Hereditary breast and ovarian cancer; Hereditary breast and ovarian cancer syndrome (HBOC); Breast and ovarian cancer; Hereditary breast and/or ovarian cancer syndrome; BRCA1- and BRCA2-Associated Hereditary Breast and Ovarian Cancer. Identifiers: Orphanet 145, MedGen C0677776, MeSH D061325, MONDO:0003582. Disease mechanism: loss of function.

Submissions (4):

Labcorp Genetics (formerly Invitae), Labcorp
Classification: Uncertain significance for Hereditary breast ovarian cancer syndrome. Last evaluated: 2025-04-14. Review status: criteria provided, single submitter. Criteria: Invitae Variant Classification Sherloc (09022015). Collection method: clinical testing. Allele origin: germline.
Comment: This sequence change replaces serine, which is neutral and polar, with cysteine, which is neutral and slightly polar, at codon 387 of the BRCA1 protein (p.Ser387Cys). This variant is not present in population databases (gnomAD no frequency). This variant has not been reported in the literature in individuals affected with BRCA1-related conditions. ClinVar contains an entry for this variant (Variation ID: 629962). Invitae Evidence Modeling of protein sequence and biophysical properties (such as structural, functional, and spatial information, amino acid conservation, physicochemical variation, residue mobility, and thermodynamic stability) indicates that this missense variant is expected to disrupt BRCA1 protein function with a positive predictive value of 80%. In summary, the available evidence is currently insufficient to determine the role of this variant in disease. Therefore, it has been classified as a Variant of Uncertain Significance.

Ambry Genetics
Classification: Uncertain significance for Hereditary cancer-predisposing syndrome. Last evaluated: 2024-04-26. Review status: criteria provided, single submitter. Criteria: Ambry Variant Classification Scheme 2023. Collection method: clinical testing. Allele origin: germline.
Comment: The p.S387C variant (also known as c.1160C>G), located in coding exon 9 of the BRCA1 gene, results from a C to G substitution at nucleotide position 1160. The serine at codon 387 is replaced by cysteine, an amino acid with dissimilar properties. This amino acid position is well conserved in available vertebrate species. In addition, this alteration is predicted to be deleterious by in silico analysis. Based on the available evidence, the clinical significance of this variant remains unclear.

University of Washington Department of Laboratory Medicine, University of Washington
Classification: Likely benign for Hereditary cancer-predisposing syndrome. Last evaluated: 2023-03-23. Review status: criteria provided, single submitter. Criteria: Dines et al. (Genet Med. 2020). Collection method: curation. Allele origin: germline.
Comment: Missense variant in a coldspot region where missense variants are very unlikely to be pathogenic (PMID:31911673).

BRCA1 coldspot (exon 11 using historical exon numbering). Reclassification based on statistical prior probability

Color Diagnostics, LLC DBA Color Health
Classification: Uncertain significance for Hereditary cancer-predisposing syndrome. Last evaluated: 2019-04-18. Review status: criteria provided, single submitter. Criteria: ACMG Guidelines, 2015. Collection method: clinical testing. Allele origin: germline.